The following is an entry in ClinVar:

NM_001430.5(EPAS1):c.1128C>G (p.Ser376Arg)

Gene: EPAS1 (endothelial PAS domain protein 1; plus strand). Cytogenetic location: 2p21.
Variant type: single nucleotide variant.
Coding change: c.1128C>G on transcript NM_001430.5 (MANE Select); coding-DNA position 1128, C replaced by G.
Protein change: p.Ser376Arg; replaces serine 376 with arginine.
Molecular consequence: missense variant.
Genome position (GRCh38, 1-based): chr2:46,376,632, C>G. VCF-style: chr2-46376632-C-G. GRCh37 (hg19) VCF-style: chr2-46603771-C-G.
Other names: short protein forms S376R.
Identifiers: ClinVar variation 1727376 (VCV001727376.3), dbSNP rs975911978, ClinGen allele CA46562180.

ClinVar aggregate classification (germline): Uncertain significance (1 of 4 stars; one submission).

Conditions:
Inborn genetic diseases. Identifiers: MedGen C0950123, MeSH D030342.

Allele frequency attached by ClinVar (database versions not stated): gnomAD 0.00001; TOPMed 0.00002.
gnomAD v4.1: 2 of 1,614,050 alleles (0.00012%); highest among the groups gnomAD compares: African/African-American, 0.0027%; no homozygotes.

Submission:

Ambry Genetics
Classification: Uncertain significance for Inborn genetic diseases. Last evaluated: 2024-04-26. Review status: criteria provided, single submitter. Criteria: Ambry Variant Classification Scheme 2023. Collection method: clinical testing. Allele origin: germline.
Comment: The p.S376R variant (also known as c.1128C>G), located in coding exon 9 of the EPAS1 gene, results from a C to G substitution at nucleotide position 1128. The serine at codon 376 is replaced by arginine, an amino acid with dissimilar properties. This amino acid position is conserved. In addition, this alteration is predicted to be tolerated by in silico analysis. Since supporting evidence is limited at this time, the clinical significance of this alteration remains unclear.